The following is an entry in ClinVar:

ClinVar aggregate classification (germline): Uncertain significance. Review status: criteria provided, single submitter (1 of 4 stars). 2 submissions from 2 submitters: Uncertain significance (1). 1 of the submissions does not count toward it. Last evaluated 2021-08-31.

Conditions:
Schimke immuno-osseous dysplasia (SIOD). Also called: Schimke Immunoosseous Dysplasia. Identifiers: Orphanet 1830, MedGen C0877024, MONDO:0009458, OMIM 242900.

Allele frequency attached by ClinVar (database versions not stated): TOPMed below 0.00001; gnomAD 0.00001.
gnomAD v4.1: 3 of 1,613,498 alleles (0.00019%); highest among the groups gnomAD compares: Non-Finnish European, 0.00025%; 1 homozygote.

Submissions (2):

Labcorp Genetics (formerly Invitae), Labcorp
Classification: Uncertain significance for Schimke immuno-osseous dysplasia. Last evaluated: 2021-08-31. Review status: criteria provided, single submitter. Criteria: Invitae Variant Classification Sherloc (09022015). Collection method: clinical testing. Allele origin: germline.
Comment: This sequence change replaces proline with threonine at codon 567 of the SMARCAL1 protein (p.Pro567Thr). The proline residue is moderately conserved and there is a small physicochemical difference between proline and threonine. This variant is not present in population databases (ExAC no frequency). This variant has not been reported in the literature in individuals affected with SMARCAL1-related conditions. Algorithms developed to predict the effect of missense changes on protein structure and function are either unavailable or do not agree on the potential impact of this missense change (SIFT: "Tolerated"; PolyPhen-2: "Probably Damaging"; Align-GVGD: "Class C0"). In summary, the available evidence is currently insufficient to determine the role of this variant in disease. Therefore, it has been classified as a Variant of Uncertain Significance.

Natera, Inc.
Classification: Uncertain significance for Schimke immuno-osseous dysplasia. Last evaluated: 2020-02-28. Review status: no assertion criteria provided. Collection method: clinical testing. Allele origin: germline. Not counted in ClinVar's aggregate classification.

NM_014140.4(SMARCAL1):c.1699C>A (p.Pro567Thr)

Gene: SMARCAL1 (SNF2 related chromatin remodeling annealing helicase 1; plus strand). Cytogenetic location: 2q35.
Variant type: single nucleotide variant.
Coding change: c.1699C>A on transcript NM_014140.4 (MANE Select); coding-DNA position 1699, C replaced by A.
Protein change: p.Pro567Thr; replaces proline 567 with threonine.
Molecular consequence: missense variant.
Genome position (GRCh38, 1-based): chr2:216,438,474, C>A. VCF-style: chr2-216438474-C-A. GRCh37 (hg19) VCF-style: chr2-217303197-C-A.
Other names: c.1699C>A, p.Pro567Thr (NM_001127207.2); short protein forms P567T.
Identifiers: ClinVar variation 947024 (VCV000947024.10), dbSNP rs765026783, ClinGen allele CA350501367.